The following is an entry in ClinVar:

NM_025103.4(IFT74):c.305+1G>A

Gene: IFT74 (intraflagellar transport 74; plus strand). Cytogenetic location: 9p21.2.
Variant type: single nucleotide variant.
Coding change: c.305+1G>A on transcript NM_025103.4 (MANE Select); the canonical splice donor site of the intron after coding-DNA position 305, G replaced by A.
Molecular consequence: splice donor variant.
Genome position (GRCh38, 1-based): chr9:26,980,620, G>A. VCF-style: chr9-26980620-G-A. GRCh37 (hg19) VCF-style: chr9-26980618-G-A.
Other names: c.305+1G>A (NM_001099223.3, NM_001099222.3, NM_001349928.2 and 2 more transcripts).
Identifiers: ClinVar variation 2151455 (VCV002151455.5), dbSNP rs766986213, ClinGen allele CA5014886.

ClinVar aggregate classification (germline): Likely pathogenic. Review status: criteria provided, single submitter (1 of 4 stars). 2 submissions from 2 submitters: Likely pathogenic (1). 1 of the submissions does not count toward it. Last evaluated 2023-10-19.

Conditions:
IFT74-related disorder. Also called: IFT74-Related Disorders; IFT74-related condition.

Allele frequency attached by ClinVar (database versions not stated): ExAC 0.00001; gnomAD 0.00001; TOPMed 0.00001.

Submissions (2):

Labcorp Genetics (formerly Invitae), Labcorp
Classification: Likely pathogenic. Last evaluated: 2023-10-19. Review status: criteria provided, single submitter. Criteria: Invitae Variant Classification Sherloc (09022015). Collection method: clinical testing. Allele origin: germline.
Comment: This sequence change affects a donor splice site in intron 4 of the IFT74 gene. It is expected to disrupt RNA splicing. Variants that disrupt the donor or acceptor splice site typically lead to a loss of protein function (PMID: 16199547), and loss-of-function variants in IFT74 are known to be pathogenic (PMID: 33531668). This variant is present in population databases (rs766986213, gnomAD 0.003%). This variant has not been reported in the literature in individuals affected with IFT74-related conditions. ClinVar contains an entry for this variant (Variation ID: 2151455). Algorithms developed to predict the effect of sequence changes on RNA splicing suggest that this variant may disrupt the consensus splice site. In summary, the currently available evidence indicates that the variant is pathogenic, but additional data are needed to prove that conclusively. Therefore, this variant has been classified as Likely Pathogenic.

PreventionGenetics, part of Exact Sciences
Classification: Uncertain significance for IFT74-related condition. Last evaluated: 2024-06-25. Review status: no assertion criteria provided. Collection method: clinical testing. Allele origin: germline. Not counted in ClinVar's aggregate classification.
Comment: The IFT74 c.305+1G>A variant is predicted to disrupt the GT donor site and interfere with normal splicing. To our knowledge, this variant has not been reported in the literature. This variant is reported in 0.0033% of alleles in individuals of South Asian descent in gnomAD. At this time, the clinical significance of this variant is uncertain due to the absence of conclusive functional and genetic evidence.

Literature cited by the submitters: PubMed 16199547 (cited by Labcorp Genetics (formerly Invitae), Labcorp); PubMed 33531668 (cited by Labcorp Genetics (formerly Invitae), Labcorp).